The following is an entry in ClinVar:

NM_000088.4(COL1A1):c.3365C>G (p.Pro1122Arg)

Gene: COL1A1 (collagen type I alpha 1 chain; minus strand). Cytogenetic location: 17q21.33.
Variant type: single nucleotide variant.
Coding change: c.3365C>G on transcript NM_000088.4 (MANE Select); coding-DNA position 3365, C replaced by G.
Protein change: p.Pro1122Arg; replaces proline 1122 with arginine.
Molecular consequence: missense variant.
Genome position (GRCh38, 1-based): chr17:50,187,880, G>C on the plus strand (C>G on the coding strand, the complement: COL1A1 is on the minus strand). VCF-style: chr17-50187880-G-C. GRCh37 (hg19) VCF-style: chr17-48265241-G-C.
Other names: short protein forms P1122R.
Identifiers: ClinVar variation 2417166 (VCV002417166.7), dbSNP rs2509172493, ClinGen allele CA400199487.

ClinVar aggregate classification (germline): Uncertain significance. Review status: criteria provided, multiple submitters, no conflicts (2 of 4 stars). 2 submissions from 2 submitters: Uncertain significance (2). Last evaluated 2024-09-30.

Conditions:
Osteogenesis imperfecta type I (OI1). Also called: Lobstein's Disease; Osteogenesis imperfecta type 1; Lobstein disease; Classic Non-deforming Osteogenesis Imperfecta with Blue Sclerae; OI, TYPE I; OSTEOGENESIS IMPERFECTA TARDA. Identifiers: Orphanet 216796, Orphanet 666, MedGen C0023931, MONDO:0008146, OMIM 166200. Disease mechanism: loss of function.

gnomAD v4.1: 1 of 1,599,462 alleles (0.000063%); highest among the groups gnomAD compares: Non-Finnish European, 0.000085%; no homozygotes.

Submissions (2):

GeneDx
Classification: Uncertain significance. Last evaluated: 2024-09-30. Review status: criteria provided, single submitter. Criteria: GeneDx Variant Classification Process June 2021. Collection method: clinical testing. Allele origin: germline. Affected: yes.
Comment: Not observed at significant frequency in large population cohorts (gnomAD); In silico analysis supports that this missense variant has a deleterious effect on protein structure/function; Has not been previously published as pathogenic or benign to our knowledge

Labcorp Genetics (formerly Invitae), Labcorp
Classification: Uncertain significance for Osteogenesis imperfecta type I. Last evaluated: 2022-03-01. Review status: criteria provided, single submitter. Criteria: Invitae Variant Classification Sherloc (09022015). Collection method: clinical testing. Allele origin: germline.
Comment: In summary, the available evidence is currently insufficient to determine the role of this variant in disease. Therefore, it has been classified as a Variant of Uncertain Significance. Advanced modeling of protein sequence and biophysical properties (such as structural, functional, and spatial information, amino acid conservation, physicochemical variation, residue mobility, and thermodynamic stability) performed at Invitae indicates that this missense variant is not expected to disrupt COL1A1 protein function. This variant has not been reported in the literature in individuals affected with COL1A1-related conditions. This variant is not present in population databases (gnomAD no frequency). This sequence change replaces proline, which is neutral and non-polar, with arginine, which is basic and polar, at codon 1122 of the COL1A1 protein (p.Pro1122Arg).